The following is an entry in ClinVar:

ClinVar aggregate classification (germline): Uncertain significance. Review status: criteria provided, multiple submitters, no conflicts (2 of 4 stars). 2 submissions from 2 submitters: Uncertain significance (2). Last evaluated 2026-02-12.

Allele frequency attached by ClinVar (database versions not stated): gnomAD exomes below 0.00001; gnomAD 0.00002; TOPMed 0.00002; ESP Exome Variant Server 0.00008; 1000 Genomes Project 30x 0.00016; 1000 Genomes Project 0.00020.
gnomAD v4.1: 7 of 1,608,586 alleles (0.00044%); highest among the groups gnomAD compares: African/African-American, 0.0027%; no homozygotes.

Submissions (2):

GeneDx
Classification: Uncertain significance. Last evaluated: 2026-02-12. Review status: criteria provided, single submitter. Criteria: GeneDx Variant Classification Process June 2021. Collection method: clinical testing. Allele origin: germline.
Comment: Not observed at significant frequency in large population cohorts (gnomAD); In silico analysis suggests that this missense variant does not alter protein structure/function; Has not been previously published as pathogenic or benign to our knowledge

Labcorp Genetics (formerly Invitae), Labcorp
Classification: Uncertain significance. Last evaluated: 2022-05-15. Review status: criteria provided, single submitter. Criteria: Invitae Variant Classification Sherloc (09022015). Collection method: clinical testing. Allele origin: germline.
Comment: This sequence change replaces histidine, which is basic and polar, with arginine, which is basic and polar, at codon 984 of the CDH23 protein (p.His984Arg). This variant is not present in population databases (gnomAD no frequency). This variant has not been reported in the literature in individuals affected with CDH23-related conditions. Algorithms developed to predict the effect of missense changes on protein structure and function are either unavailable or do not agree on the potential impact of this missense change (SIFT: "Tolerated"; PolyPhen-2: "Not Available"; Align-GVGD: "Class C0"). In summary, the available evidence is currently insufficient to determine the role of this variant in disease. Therefore, it has been classified as a Variant of Uncertain Significance.

NM_022124.6(CDH23):c.2951A>G (p.His984Arg)

Gene: CDH23 (cadherin related 23; plus strand). Cytogenetic location: 10q22.1.
Variant type: single nucleotide variant.
Coding change: c.2951A>G on transcript NM_022124.6 (MANE Select); coding-DNA position 2951, A replaced by G.
Protein change: p.His984Arg; replaces histidine 984 with arginine.
Molecular consequence: missense variant.
Genome position (GRCh38, 1-based): chr10:71,705,128, A>G. VCF-style: chr10-71705128-A-G. GRCh37 (hg19) VCF-style: chr10-73464885-A-G.
Other names: c.2951A>G, p.His984Arg (NM_001171930.2, NM_001171931.2); c.2951A>G (NM_022124.5); short protein forms H984R.
Identifiers: ClinVar variation 2198437 (VCV002198437.2), dbSNP rs371477759, ClinGen allele CA5544380.